The following is an entry in ClinVar:

NM_001127178.3(PIGG):c.1462G>A (p.Val488Ile)

Gene: PIGG (phosphatidylinositol glycan anchor biosynthesis class G (EMM blood group); plus strand). Cytogenetic location: 4p16.3.
Variant type: single nucleotide variant.
Coding change: c.1462G>A on transcript NM_001127178.3 (MANE Select); coding-DNA position 1462, G replaced by A.
Protein change: p.Val488Ile; replaces valine 488 with isoleucine.
Molecular consequence: missense variant. On other transcripts: 3 prime UTR variant (2), 5 prime UTR variant (2), non-coding transcript variant (10).
Genome position (GRCh38, 1-based): chr4:521,789, G>A. VCF-style: chr4-521789-G-A. GRCh37 (hg19) VCF-style: chr4-515578-G-A.
Other names: c.1195G>A, p.Val399Ile (NM_001289051.2, NM_001289053.2, NM_001345986.2); c.1063G>A, p.Val355Ile (NM_001289052.2); c.*24G>A (NM_001289055.2); c.*77G>A (NM_001289057.2); c.1171G>A, p.Val391Ile (NM_001345987.2); c.433G>A, p.Val145Ile (NM_001345988.2); c.1462G>A, p.Val488Ile (NM_001345989.2); c.-72G>A (NM_001345990.2, NM_001345991.2); and 2 more; short protein forms V391I, V480I, V122I, V145I, V355I, V399I, V488I.
Identifiers: ClinVar variation 649394 (VCV000649394.7), dbSNP rs780904126, ClinGen allele CA2793322.

ClinVar aggregate classification (germline): Uncertain significance (1 of 4 stars; one submission).

Conditions:
Intellectual disability, autosomal recessive 53 (NEDHSCA). Also called: GLYCOSYLPHOSPHATIDYLINOSITOL BIOSYNTHESIS DEFECT 13; Mental retardation, autosomal recessive 53; NEURODEVELOPMENTAL DISORDER WITH OR WITHOUT HYPOTONIA, SEIZURES, AND CEREBELLAR ATROPHY. Identifiers: Orphanet 488635, MedGen C4310794, MONDO:0014832, OMIM 616917.

Allele frequency attached by ClinVar (database versions not stated): gnomAD exomes 0.00001; TOPMed 0.00001; ExAC 0.00002.
gnomAD v4.1: 10 of 1,614,196 alleles (0.00062%); highest among the groups gnomAD compares: Middle Eastern, 0.016%; no homozygotes.

Submission:

Labcorp Genetics (formerly Invitae), Labcorp
Classification: Uncertain significance for Intellectual disability, autosomal recessive 53. Last evaluated: 2021-09-15. Review status: criteria provided, single submitter. Criteria: Invitae Variant Classification Sherloc (09022015). Collection method: clinical testing. Allele origin: germline.
Comment: Algorithms developed to predict the effect of missense changes on protein structure and function (SIFT, PolyPhen-2, Align-GVGD) all suggest that this variant is likely to be tolerated. This variant has not been reported in the literature in individuals affected with PIGG-related conditions. This variant is present in population databases (rs780904126, ExAC 0.01%). This sequence change replaces valine with isoleucine at codon 488 of the PIGG protein (p.Val488Ile). The valine residue is moderately conserved and there is a small physicochemical difference between valine and isoleucine. In summary, the available evidence is currently insufficient to determine the role of this variant in disease. Therefore, it has been classified as a Variant of Uncertain Significance.